The following is an entry in ClinVar:

ClinVar aggregate classification (germline): Likely benign. Review status: criteria provided, multiple submitters, no conflicts (2 of 4 stars). 6 submissions from 6 submitters: Likely benign (6). Last evaluated 2025-12-11.

Conditions:
PTPN11-related disorder. Also called: PTPN11-Related Disorders.
Cardiovascular phenotype. Identifiers: MedGen CN230736.
RASopathy. Also called: rasopathies; Noonan spectrum disorder. Identifiers: Orphanet 536391, MedGen C5555857, MONDO:0021060.

Allele frequency attached by ClinVar (database versions not stated): gnomAD 0.00001; ExAC 0.00002; gnomAD exomes 0.00002 and 0.00003; TOPMed 0.00002; ESP Exome Variant Server 0.00008.
gnomAD v4.1: 42 of 1,611,854 alleles (0.0026%); highest among the groups gnomAD compares: Non-Finnish European, 0.0033%; no homozygotes.

Submissions (6):

Labcorp Genetics (formerly Invitae), Labcorp
Classification: Likely benign for RASopathy. Last evaluated: 2025-12-11. Review status: criteria provided, single submitter. Criteria: Invitae Variant Classification Sherloc (09022015). Collection method: clinical testing. Allele origin: germline.

CeGaT Center for Human Genetics Tuebingen
Classification: Likely benign. Last evaluated: 2025-11-01. Review status: criteria provided, single submitter. Criteria: CeGaT Center For Human Genetics Tuebingen Variant Classification Criteria Version 2. Collection method: clinical testing. Allele origin: germline. Affected: yes. Observed: 1 variant allele.
Comment: PTPN11: BP4, BP7

PreventionGenetics, part of Exact Sciences
Classification: Likely benign for PTPN11-related condition. Last evaluated: 2025-09-23. Review status: criteria provided, single submitter. Criteria: ACMG Guidelines, 2015. Collection method: clinical testing. Allele origin: germline.
Comment: This variant is classified as likely benign based on ACMG/AMP sequence variant interpretation guidelines (Richards et al. 2015 PMID: 25741868, with internal and published modifications).

Ambry Genetics
Classification: Likely benign for Cardiovascular phenotype. Last evaluated: 2022-11-27. Review status: criteria provided, single submitter. Criteria: Ambry Variant Classification Scheme 2023. Collection method: clinical testing. Allele origin: germline.

Women's Health and Genetics/Laboratory Corporation of America, LabCorp
Classification: Likely benign. Last evaluated: 2021-11-21. Review status: criteria provided, single submitter. Criteria: LabCorp Variant Classification Summary - May 2015. Collection method: clinical testing. Allele origin: germline.

GeneDx
Classification: Likely benign. Last evaluated: 2016-03-25. Review status: criteria provided, single submitter. Criteria: GeneDx Variant Classification (06012015). Collection method: clinical testing. Allele origin: germline. Affected: yes.
Comment: This variant is considered likely benign or benign based on one or more of the following criteria: it is a conservative change, it occurs at a poorly conserved position in the protein, it is predicted to be benign by multiple in silico algorithms, and/or has population frequency not consistent with disease.

NM_002834.5(PTPN11):c.537C>T (p.Tyr179=)

Gene: PTPN11 (protein tyrosine phosphatase non-receptor type 11; plus strand). Cytogenetic location: 12q24.13.
Variant type: single nucleotide variant.
Coding change: c.537C>T on transcript NM_002834.5 (MANE Select); coding-DNA position 537, C replaced by T.
Protein change: p.Tyr179=; no amino-acid change (tyrosine 179 retained).
Molecular consequence: synonymous variant.
Genome position (GRCh38, 1-based): chr12:112,454,575, C>T. VCF-style: chr12-112454575-C-T. GRCh37 (hg19) VCF-style: chr12-112892379-C-T.
Other names: c.537C>T, p.Tyr179= (NM_001330437.2, NM_080601.3); c.534C>T, p.Tyr178= (NM_001374625.1).
Identifiers: ClinVar variation 378443 (VCV000378443.21), dbSNP rs141015445, ClinGen allele CA6798576.